The following is an entry in ClinVar:

NM_002691.4(POLD1):c.122T>G (p.Met41Arg)

Gene: POLD1 (DNA polymerase delta 1, catalytic subunit; plus strand). Cytogenetic location: 19q13.33.
Variant type: single nucleotide variant.
Coding change: c.122T>G on transcript NM_002691.4 (MANE Select); coding-DNA position 122, T replaced by G.
Protein change: p.Met41Arg; replaces methionine 41 with arginine.
Molecular consequence: missense variant. On other transcripts: non-coding transcript variant (1).
Genome position (GRCh38, 1-based): chr19:50,398,973, T>G. VCF-style: chr19-50398973-T-G. GRCh37 (hg19) VCF-style: chr19-50902230-T-G.
Other names: c.122T>G, p.Met41Arg (NM_001256849.1, NM_001308632.1); short protein forms M41R.
Identifiers: ClinVar variation 2754319 (VCV002754319.3), dbSNP rs2513933082, ClinGen allele CA406970183.

ClinVar aggregate classification (germline): Uncertain significance (1 of 4 stars; one submission).

Conditions:
POLD1-related polyposis and colorectal cancer syndrome (CRCS10). Also called: Colorectal cancer 10; Colorectal cancer, susceptibility to, 10; COLORECTAL CANCER, SUSCEPTIBILITY TO, ON CHROMOSOME 19q. Identifiers: Orphanet 220460, MedGen C2675481, MONDO:0012953, OMIM 612591.

Submission:

Labcorp Genetics (formerly Invitae), Labcorp
Classification: Uncertain significance for POLD1-related polyposis and colorectal cancer syndrome. Last evaluated: 2023-08-22. Review status: criteria provided, single submitter. Criteria: Invitae Variant Classification Sherloc (09022015). Collection method: clinical testing. Allele origin: germline.
Comment: In summary, the available evidence is currently insufficient to determine the role of this variant in disease. Therefore, it has been classified as a Variant of Uncertain Significance. An algorithm developed to predict the effect of missense changes on protein structure and function (PolyPhen-2) suggests that this variant is likely to be tolerated. This variant has not been reported in the literature in individuals affected with POLD1-related conditions. This variant is not present in population databases (gnomAD no frequency). This sequence change replaces methionine, which is neutral and non-polar, with arginine, which is basic and polar, at codon 41 of the POLD1 protein (p.Met41Arg).